The following is an entry in ClinVar:

NM_006204.4(PDE6C):c.265C>T (p.His89Tyr)

Gene: PDE6C (phosphodiesterase 6C; plus strand). Cytogenetic location: 10q23.33.
Variant type: single nucleotide variant.
Coding change: c.265C>T on transcript NM_006204.4 (MANE Select); coding-DNA position 265, C replaced by T.
Protein change: p.His89Tyr; replaces histidine 89 with tyrosine.
Molecular consequence: missense variant.
Genome position (GRCh38, 1-based): chr10:93,612,990, C>T. VCF-style: chr10-93612990-C-T. GRCh37 (hg19) VCF-style: chr10-95372747-C-T.
Other names: c.265C>T (NM_006204.3); short protein forms H89Y.
Identifiers: ClinVar variation 1392093 (VCV001392093.8), dbSNP rs760127153, ClinGen allele CA5609792.
Genomic context (GRCh38, chr10:93,612,990, plus strand): 5'-GTGCAGGAGGAGGGGGGCACCCCAGAGCAGGGGGTTCACAGGGCCCTGCAGAGGCTGGCC[C>T]ACCTGCTCCAGGCTGACCGCTGCAGCATGTTCCTGTGCCGGTCCCGGAACGGCATACCTG-3'
Protein context (NP_006195.3, residues 79-99): GVHRALQRLA[His89Tyr]LLQADRCSMF

ClinVar aggregate classification (germline): Uncertain significance. Review status: criteria provided, multiple submitters, no conflicts (2 of 4 stars). 3 submissions from 3 submitters: Uncertain significance (3). Last evaluated 2025-08-12.

Conditions:
Inborn genetic diseases. Identifiers: MedGen C0950123, MeSH D030342.

Allele frequency attached by ClinVar (database versions not stated): gnomAD 0.00003; gnomAD exomes 0.00003 and 0.00004; ExAC 0.00004; TOPMed 0.00004.
gnomAD v4.1: 50 of 1,613,916 alleles (0.0031%); highest among the groups gnomAD compares: Non-Finnish European, 0.004%; no homozygotes.

Submissions (3):

Ambry Genetics
Classification: Uncertain significance for Inborn genetic diseases. Last evaluated: 2025-08-12. Review status: criteria provided, single submitter. Criteria: Ambry Variant Classification Scheme 2023. Collection method: clinical testing. Allele origin: germline.

Blueprint Genetics
Classification: Uncertain significance. Last evaluated: 2024-03-08. Review status: criteria provided, single submitter. Criteria: ACMG Guidelines, 2015. Collection method: clinical testing. Allele origin: germline.

Labcorp Genetics (formerly Invitae), Labcorp
Classification: Uncertain significance. Last evaluated: 2022-08-01. Review status: criteria provided, single submitter. Criteria: Invitae Variant Classification Sherloc (09022015). Collection method: clinical testing. Allele origin: germline.
Comment: This sequence change replaces histidine, which is basic and polar, with tyrosine, which is neutral and polar, at codon 89 of the PDE6C protein (p.His89Tyr). This variant is present in population databases (rs760127153, gnomAD 0.007%). This variant has not been reported in the literature in individuals affected with PDE6C-related conditions. ClinVar contains an entry for this variant (Variation ID: 1392093). Algorithms developed to predict the effect of missense changes on protein structure and function (SIFT, PolyPhen-2, Align-GVGD) all suggest that this variant is likely to be tolerated. In summary, the available evidence is currently insufficient to determine the role of this variant in disease. Therefore, it has been classified as a Variant of Uncertain Significance.